The following is an entry in ClinVar:

ClinVar aggregate classification (germline): Pathogenic. Review status: criteria provided, multiple submitters, no conflicts (2 of 4 stars). 2 submissions from 2 submitters: Pathogenic (2). Last evaluated 2023-10-09.

Conditions:
Peroxisome biogenesis disorder 7A (Zellweger). Also called: Peroxisome biogenesis disorder 7A. Identifiers: Orphanet 912, MedGen C3888385, MONDO:0013938, OMIM 614872.
Peroxisome biogenesis disorder 7B (PBD7B). Identifiers: Orphanet 44, MedGen C3553951, MONDO:0013939, OMIM 614873.
PEX26-related disorder. Also called: PEX26-related condition.

Allele frequency attached by ClinVar (database versions not stated): gnomAD exomes below 0.00001; gnomAD 0.00001; TOPMed 0.00001.

Submissions (2):

Labcorp Genetics (formerly Invitae), Labcorp
Classification: Pathogenic for Peroxisome biogenesis disorder 7A (Zellweger); Peroxisome biogenesis disorder 7B. Last evaluated: 2023-10-09. Review status: criteria provided, single submitter. Criteria: Invitae Variant Classification Sherloc (09022015). Collection method: clinical testing. Allele origin: germline.
Comment: This sequence change creates a premature translational stop signal (p.Arg13Glyfs*101) in the PEX26 gene. It is expected to result in an absent or disrupted protein product. Loss-of-function variants in PEX26 are known to be pathogenic (PMID: 12851857, 21031596). This variant is not present in population databases (gnomAD no frequency). This premature translational stop signal has been observed in individual(s) with clinical features of Zellweger spectrum disorder (PMID: 15542397). For these reasons, this variant has been classified as Pathogenic.

Blueprint Genetics
Classification: Pathogenic for PEX26-related disorders. Last evaluated: 2019-09-06. Review status: criteria provided, single submitter. Criteria: ACMG Guidelines, 2015. Collection method: clinical testing. Allele origin: germline. Affected: yes. Observed: 1 variant allele.

Literature cited by the submitters: PubMed 12851857 (cited by Labcorp Genetics (formerly Invitae), Labcorp); PubMed 21031596 (cited by Labcorp Genetics (formerly Invitae), Labcorp); PubMed 15542397 (cited by Labcorp Genetics (formerly Invitae), Labcorp).

NM_001127649.3(PEX26):c.37_38del (p.Arg13fs)

Gene: PEX26 (peroxisomal biogenesis factor 26; plus strand). Cytogenetic location: 22q11.21.
Variant type: Deletion.
Coding change: c.37_38del on transcript NM_001127649.3 (MANE Select); coding-DNA positions 37 to 38, 2 bases deleted (AG; older notation c.37_38delAG).
Protein change: p.Arg13fs; shifts the reading frame from arginine 13.
Molecular consequence: frameshift variant.
Genome position (GRCh38, 1-based): chr22:18,078,413-18,078,414, AG deleted. VCF-style (leftmost placement, unchanged base first): chr22-18078412-CAG-C. GRCh37 (hg19) VCF-style: chr22-18561178-CAG-C.
Other names: c.37_38del, p.Arg13fs (NM_001199319.2, NM_017929.6); short protein forms R13fs.
Identifiers: ClinVar variation 2925654 (VCV002925654.4), dbSNP rs61752130, ClinGen allele CA321284285.